The following is an entry in ClinVar:

ClinVar aggregate classification (germline): Uncertain significance. Review status: criteria provided, multiple submitters, no conflicts (2 of 4 stars). 7 submissions from 7 submitters: Uncertain significance (7). Last evaluated 2026-01-19.

Conditions:
Cardiovascular phenotype. Identifiers: MedGen CN230736.
Cardiac arrhythmia. Also called: Arrhythmia; Cardiac rhythm disease. Identifiers: MedGen C0003811, MONDO:0007263, HP:0011675.
Long QT syndrome 2 (LQT2). Identifiers: Orphanet 101016, Orphanet 768, MedGen C3150943, MONDO:0013367, OMIM 613688.
Short QT syndrome type 1. Identifiers: Orphanet 51083, MedGen C1865020, MONDO:0012312, OMIM 609620.
Long QT syndrome (LQTS). Identifiers: MedGen C0023976, MeSH D008133, MONDO:0002442. Disease mechanism: loss of function. Inheritance: Various modes of inheritance.

Allele frequency attached by ClinVar (database versions not stated): gnomAD 0.00006; ESP Exome Variant Server 0.00008; TOPMed 0.00014.
gnomAD v4.1: 41 of 1,610,562 alleles (0.0025%); highest among the groups gnomAD compares: African/African-American, 0.021%; 1 homozygote.

Submissions (7):

Labcorp Genetics (formerly Invitae), Labcorp
Classification: Uncertain significance for Long QT syndrome. Last evaluated: 2026-01-19. Review status: criteria provided, single submitter. Criteria: Invitae Variant Classification Sherloc (09022015). Collection method: clinical testing. Allele origin: germline.
Comment: This sequence change replaces arginine, which is basic and polar, with cysteine, which is neutral and slightly polar, at codon 887 of the KCNH2 protein (p.Arg887Cys). This variant is present in population databases (rs140279503, gnomAD 0.01%). This variant has not been reported in the literature in individuals affected with KCNH2-related conditions. ClinVar contains an entry for this variant (Variation ID: 193802). An algorithm developed to predict the effect of missense changes on protein structure and function (PolyPhen-2) suggests that this variant is likely to be disruptive. In summary, the available evidence is currently insufficient to determine the role of this variant in disease. Therefore, it has been classified as a Variant of Uncertain Significance.

GeneDx
Classification: Uncertain significance. Last evaluated: 2025-07-27. Review status: criteria provided, single submitter. Criteria: GeneDx Variant Classification Process June 2021. Collection method: clinical testing. Allele origin: germline. Affected: yes.
Comment: In silico analysis supports that this missense variant has a deleterious effect on protein structure/function; Has not been previously published as pathogenic or benign to our knowledge

All of Us Research Program, National Institutes of Health
Classification: Uncertain significance for Long QT syndrome. Last evaluated: 2024-01-03. Review status: criteria provided, single submitter. Criteria: ACMG Guidelines, 2015. Collection method: clinical testing. Allele origin: germline. Inheritance: Autosomal dominant inheritance. Observed: 6 variant alleles, 6 heterozygotes.
Comment: This missense variant replaces arginine with cysteine at codon 887 of the KCNH2 protein. Computational prediction suggests that this variant may have deleterious impact on protein structure and function (internally defined REVEL score threshold >= 0.7, PMID: 27666373). To our knowledge, functional studies have not been reported for this variant. This variant has not been reported in individuals affected with cardiovascular disorders in the literature. This variant has been identified in 12/280278 chromosomes in the general population by the Genome Aggregation Database (gnomAD). The available evidence is insufficient to determine the role of this variant in disease conclusively. Therefore, this variant is classified as a Variant of Uncertain Significance.

This study involves interpretation of variants in research participants for the purpose of population health screening. Participant phenotype was not available at the time of variant classification. Additional details can be found in publication PMID: 35346344, PMCID: PMC8962531

Color Diagnostics, LLC DBA Color Health
Classification: Uncertain significance for Cardiac arrhythmia. Last evaluated: 2023-08-09. Review status: criteria provided, single submitter. Criteria: ACMG Guidelines, 2015. Collection method: clinical testing. Allele origin: germline.
Comment: This missense variant replaces arginine with cysteine at codon 887 of the KCNH2 protein. Computational prediction suggests that this variant may have deleterious impact on protein structure and function (internally defined REVEL score threshold >= 0.7, PMID: 27666373). To our knowledge, functional studies have not been reported for this variant. This variant has not been reported in individuals affected with cardiovascular disorders in the literature. This variant has been identified in 12/280278 chromosomes in the general population by the Genome Aggregation Database (gnomAD). The available evidence is insufficient to determine the role of this variant in disease conclusively. Therefore, this variant is classified as a Variant of Uncertain Significance.

Ambry Genetics
Classification: Uncertain significance for Cardiovascular phenotype. Last evaluated: 2022-03-31. Review status: criteria provided, single submitter. Criteria: Ambry Variant Classification Scheme 2023. Collection method: clinical testing. Allele origin: germline.
Comment: The p.R887C variant (also known as c.2659C>T), located in coding exon 11 of the KCNH2 gene, results from a C to T substitution at nucleotide position 2659. The arginine at codon 887 is replaced by cysteine, an amino acid with highly dissimilar properties, and is located in the C-terminal region of the protein. An alternate amino acid substitution at this codon, p.R887H, was described in a long QT syndrome genetic testing cohort and in a primary electrical syndrome cohort (Tester et al. Heart Rhythm. 2005;2(5):507-17; Adler A et al. Circ Arrhythm Electrophysiol. 2016;9:e003440). Based on data from gnomAD, the frequency for this variant is above the maximum credible frequency for a disease-causing variant in this gene based on internally established thresholds (Karczewski et al. Nature. 2020 May;581(7809):434-443; Whiffin et al. Genet Med. 2017 10;19:1151-1158). This amino acid position is well conserved in available vertebrate species. In addition, this alteration is predicted to be deleterious by in silico analysis. Since supporting evidence is conflicting at this time, the clinical significance of this alteration remains unclear.

Fulgent Genetics
Classification: Uncertain significance for Short QT syndrome type 1; Long QT syndrome 2. Last evaluated: 2021-10-07. Review status: criteria provided, single submitter. Criteria: ACMG Guidelines, 2015. Collection method: clinical testing. Allele origin: unknown.

Eurofins Ntd Llc (ga)
Classification: Uncertain significance. Last evaluated: 2015-06-05. Review status: criteria provided, single submitter. Criteria: EGL Classification Definitions 2015. Collection method: clinical testing. Allele origin: germline. Observed: 1 variant allele, 1 heterozygote.

NM_000238.4(KCNH2):c.2659C>T (p.Arg887Cys)

Gene: KCNH2 (potassium voltage-gated channel subfamily H member 2; minus strand). Cytogenetic location: 7q36.1.
Variant type: single nucleotide variant.
Coding change: c.2659C>T on transcript NM_000238.4 (MANE Select); coding-DNA position 2659, C replaced by T.
Protein change: p.Arg887Cys; replaces arginine 887 with cysteine.
Molecular consequence: missense variant.
Genome position (GRCh38, 1-based): chr7:150,948,477, G>A on the plus strand (C>T on the coding strand, the complement: KCNH2 is on the minus strand). VCF-style: chr7-150948477-G-A. GRCh37 (hg19) VCF-style: chr7-150645565-G-A.
Other names: c.1639C>T, p.Arg547Cys (NM_172057.3); short protein forms R547C, R887C.
Identifiers: ClinVar variation 193802 (VCV000193802.28), dbSNP rs140279503, ClinGen allele CA007085.